The following is an entry in ClinVar:

NM_002693.3(POLG):c.2738G>C (p.Cys913Ser)

Gene: POLG (DNA polymerase gamma, catalytic subunit; minus strand). Cytogenetic location: 15q26.1.
Variant type: single nucleotide variant.
Coding change: c.2738G>C on transcript NM_002693.3 (MANE Select); coding-DNA position 2738, G replaced by C.
Protein change: p.Cys913Ser; replaces cysteine 913 with serine.
Molecular consequence: missense variant.
Genome position (GRCh38, 1-based): chr15:89,321,009, C>G on the plus strand (G>C on the coding strand, the complement: POLG is on the minus strand). VCF-style: chr15-89321009-C-G. GRCh37 (hg19) VCF-style: chr15-89864240-C-G.
Other names: c.2738G>C, p.Cys913Ser (NM_001126131.2); short protein forms C913S.
Identifiers: ClinVar variation 2783924 (VCV002783924.3), dbSNP rs1393973718, ClinGen allele CA393753343.

ClinVar aggregate classification (germline): Uncertain significance (1 of 4 stars; one submission).

Conditions:
Progressive sclerosing poliodystrophy (MTDPS4A). Also called: ALPERS PROGRESSIVE INFANTILE POLIODYSTROPHY; NEURONAL DEGENERATION OF CHILDHOOD WITH LIVER DISEASE, PROGRESSIVE; Alpers Syndrome; ALPERS DIFFUSE DEGENERATION OF CEREBRAL GRAY MATTER WITH HEPATIC CIRRHOSIS; Alpers-Huttenlocher Syndrome; Mitochondrial DNA Depletion Syndrome 4A. Identifiers: Orphanet 726, MedGen C0205710, MONDO:0008758, OMIM 203700.

gnomAD v4.1: 1 of 1,614,108 alleles (0.000062%); highest among the groups gnomAD compares: Non-Finnish European, 0.000085%; no homozygotes.

Submission:

Labcorp Genetics (formerly Invitae), Labcorp
Classification: Uncertain significance for Progressive sclerosing poliodystrophy. Last evaluated: 2024-10-15. Review status: criteria provided, single submitter. Criteria: Invitae Variant Classification Sherloc (09022015). Collection method: clinical testing. Allele origin: germline.
Comment: This sequence change replaces cysteine, which is neutral and slightly polar, with serine, which is neutral and polar, at codon 913 of the POLG protein (p.Cys913Ser). This variant is not present in population databases (gnomAD no frequency). This variant has not been reported in the literature in individuals affected with POLG-related conditions. Invitae Evidence Modeling of protein sequence and biophysical properties (such as structural, functional, and spatial information, amino acid conservation, physicochemical variation, residue mobility, and thermodynamic stability) indicates that this missense variant is not expected to disrupt POLG protein function with a negative predictive value of 95%. In summary, the available evidence is currently insufficient to determine the role of this variant in disease. Therefore, it has been classified as a Variant of Uncertain Significance.